The following is an entry in ClinVar:

ClinVar aggregate classification (germline): Uncertain significance (1 of 4 stars; one submission).

Conditions:
Duchenne muscular dystrophy (DMD). Also called: MUSCULAR DYSTROPHY, PSEUDOHYPERTROPHIC PROGRESSIVE, DUCHENNE TYPE; Duchenne Muscular Dystrophy (DMD). Identifiers: Orphanet 98896, MedGen C0013264, MONDO:0010679, OMIM 310200.

Submission:

Labcorp Genetics (formerly Invitae), Labcorp
Classification: Uncertain significance for Duchenne muscular dystrophy. Last evaluated: 2025-02-12. Review status: criteria provided, single submitter. Criteria: Invitae Variant Classification Sherloc (09022015). Collection method: clinical testing. Allele origin: germline.
Comment: This sequence change replaces arginine, which is basic and polar, with leucine, which is neutral and non-polar, at codon 879 of the DMD protein (p.Arg879Leu). This variant is not present in population databases (gnomAD no frequency). This variant has not been reported in the literature in individuals affected with DMD-related conditions. ClinVar contains an entry for this variant (Variation ID: 1932382). Invitae Evidence Modeling of protein sequence and biophysical properties (such as structural, functional, and spatial information, amino acid conservation, physicochemical variation, residue mobility, and thermodynamic stability) indicates that this missense variant is not expected to disrupt DMD protein function with a negative predictive value of 95%. In summary, the available evidence is currently insufficient to determine the role of this variant in disease. Therefore, it has been classified as a Variant of Uncertain Significance.

NM_004006.3(DMD):c.2636G>T (p.Arg879Leu)

Gene: DMD (dystrophin; minus strand). Cytogenetic location: Xp21.1.
Variant type: single nucleotide variant.
Coding change: c.2636G>T on transcript NM_004006.3 (MANE Select); coding-DNA position 2636, G replaced by T.
Protein change: p.Arg879Leu; replaces arginine 879 with leucine.
Molecular consequence: missense variant.
Genome position (GRCh38, 1-based): chrX:32,485,086, C>A on the plus strand (G>T on the coding strand, the complement: DMD is on the minus strand). VCF-style: chrX-32485086-C-A. GRCh37 (hg19) VCF-style: chrX-32503203-C-A.
Other names: c.2612G>T, p.Arg871Leu (NM_000109.4); c.2624G>T, p.Arg875Leu (NM_004009.3); c.2267G>T, p.Arg756Leu (NM_004010.3); short protein forms R756L, R871L, R879L, R875L.
Identifiers: ClinVar variation 1932382 (VCV001932382.3), dbSNP rs886044267, ClinGen allele CA412671125.
Genomic context (GRCh38, chrX:32,485,086, plus strand): 5'-TCTTTCAGGGCTATGCTTTGAATTTTTAATCGTTCAATTTGAGGTTGAAGATCTGATAGC[C>A]GGTTGACTTCATCCTGTGCCATAGAGTATGGAAAGTAAGTAACACGTTTACTTTGCATAC-3'
Protein context (NP_003997.2, residues 869-889): QLKICKDEVN[Arg879Leu]LSDLQPQIER